The following is an entry in ClinVar:

NM_018076.5(ODAD2):c.183_184del (p.Ser62fs)

Genes: ODAD2 (outer dynein arm docking complex subunit 2; minus strand), LOC126860891 (CDK7 strongly-dependent group 2 enhancer GRCh37_chr10:28283413-28284612; plus strand). Cytogenetic location: 10p12.1.
Variant type: Deletion.
Coding change: c.183_184del on transcript NM_018076.5 (MANE Select); coding-DNA positions 183 to 184, 2 bases deleted (AA; older notation c.183_184delAA).
Protein change: p.Ser62fs; shifts the reading frame from serine 62.
Molecular consequence: frameshift variant.
Genome position (GRCh38, 1-based): chr10:27,994,959-27,994,960, TT deleted on the plus strand (AA on the coding strand, the reverse complement: ODAD2 is on the minus strand). VCF-style (leftmost placement, unchanged base first): chr10-27994958-CTT-C. GRCh37 (hg19) VCF-style: chr10-28283887-CTT-C.
Other names: c.183_184del, p.Ser62fs (NM_001290020.2); short protein forms S62fs.
Identifiers: ClinVar variation 2194792 (VCV002194792.5), dbSNP rs774979481, ClinGen allele CA5453894.

ClinVar aggregate classification (germline): Pathogenic/Likely pathogenic. Review status: criteria provided, multiple submitters, no conflicts (2 of 4 stars). 2 submissions from 2 submitters: Pathogenic (1); Likely pathogenic (1). Last evaluated 2022-02-23.

Conditions:
ARMC4-related disorders.
Primary ciliary dyskinesia 23 (CILD23). Also called: CILIARY DYSKINESIA, PRIMARY, 23, WITH OR WITHOUT SITUS INVERSUS. Identifiers: Orphanet 244, MedGen C3809548, MONDO:0014193, OMIM 615451.

Allele frequency attached by ClinVar (database versions not stated): ExAC 0.00002; gnomAD 0.00002; TOPMed 0.00003; gnomAD exomes 0.00004.

Submissions (2):

Blueprint Genetics
Classification: Likely pathogenic for ARMC4-related disorders. Last evaluated: 2022-02-23. Review status: criteria provided, single submitter. Criteria: ACMG Guidelines, 2015. Collection method: clinical testing. Allele origin: germline. Affected: yes. Observed: 4 variant alleles.

Labcorp Genetics (formerly Invitae), Labcorp
Classification: Pathogenic for Primary ciliary dyskinesia 23. Last evaluated: 2022-02-14. Review status: criteria provided, single submitter. Criteria: Invitae Variant Classification Sherloc (09022015). Collection method: clinical testing. Allele origin: germline.
Comment: For these reasons, this variant has been classified as Pathogenic. This variant has not been reported in the literature in individuals affected with ARMC4-related conditions. This variant is present in population databases (rs774979481, gnomAD 0.004%). This sequence change creates a premature translational stop signal (p.Ser62Phefs*7) in the ARMC4 gene. It is expected to result in an absent or disrupted protein product. Loss-of-function variants in ARMC4 are known to be pathogenic (PMID: 23849778).

Literature cited by the submitters: PubMed 23849778 (cited by Labcorp Genetics (formerly Invitae), Labcorp).